The following is an entry in ClinVar:

ClinVar aggregate classification (germline): Uncertain significance (1 of 4 stars; one submission).

Conditions:
Autosomal dominant Alport syndrome (ATS3A). Also called: Alport syndrome dominant type; Renal failure and sensorineural hearing loss; ALPORT SYNDROME 3A, AUTOSOMAL DOMINANT. Identifiers: Orphanet 63, Orphanet 88918, MedGen C5882663, MONDO:0007086, OMIM 104200.

Submission:

MVZ Medizinische Genetik Mainz
Classification: Uncertain significance for Autosomal dominant Alport syndrome. Last evaluated: 2024-04-16. Review status: criteria provided, single submitter. Criteria: UK Practice Guidelines For Variant Classification V4 01 2020. Collection method: clinical testing. Allele origin: germline. Inheritance: Autosomal recessive inheritance. Affected: yes. Observed: 1 variant allele.
Comment: ACMG Criteria: PM2_SUP,PM3_SUP,PP3

NM_000091.5(COL4A3):c.1029+3A>G

Genes: MFF-DT (MFF divergent transcript; minus strand), COL4A3 (collagen type IV alpha 3 chain; plus strand). Cytogenetic location: 2q36.3.
Variant type: single nucleotide variant.
Coding change: c.1029+3A>G on transcript NM_000091.5 (MANE Select); 3 bases into the intron after coding-DNA position 1029, A replaced by G.
Molecular consequence: intron variant.
Genome position (GRCh38, 1-based): chr2:227,257,647, A>G. VCF-style: chr2-227257647-A-G. GRCh37 (hg19) VCF-style: chr2-228122363-A-G.
Identifiers: ClinVar variation 3256675 (VCV003256675.1).